The following is an entry in ClinVar:

ClinVar aggregate classification (germline): Likely pathogenic (1 of 4 stars; one submission).

Conditions:
Oculodentodigital dysplasia (ODDD). Also called: ODD SYNDROME; Oculodentodigital syndrome. Identifiers: Orphanet 2710, MedGen C0812437, MONDO:0008111, OMIM 164200.

Submission:

New York Genome Center
Classification: Likely pathogenic for Oculodentodigital dysplasia. Last evaluated: 2022-08-05. Review status: criteria provided, single submitter. Criteria: NYGC Assertion Criteria 2020. Collection method: clinical testing. Allele origin: de novo. Affected: yes. Observed: 1 heterozygote. Study: PrenatalSEQ.
Comment: The de novo missense variant c.179G>C has not previously been reported in the literature or public variant repositories (ClinVar and LOVD) and is absent from population databases (gnomAD v2.1.1 and v3.1.2, TOPMed Freeze 8), suggesting it is not a common benign variant in the populations represented in those databases. The c.179G>C variant in the GJA1 is located in exon 2 of this 2-exon gene and is predicted to replace an evolutionarily conserved glycine amino acid with alanine at position 60 in the extracellular loop of the encoded protein. In silico predictions are in favor of a damaging effect for p.(Gly60Ala) [(CADD v1.6 = 25.4, REVEL = 0.966)]; however, there are no functional studies to support or refute these predictions. A different amino acid substitution at the same residue p.Gly60Ser has been reported in a mice model with the ODDD phenotype [PMID: 16155213]. In vivo and in vitro studies revealed that the mutant Cx43 protein p.Gly60Ser acts in a dominant-negative fashion to disrupt gap junction assembly and function [PMID:16155213]. In addition to the classic features of ODDD, these mutant mice also showed a decreased bone mass and mechanical strength and altered hematopoietic stem cell and progenitor populations [PMID: 16155213]. Based on available evidence, this de novo missense variant c.179G>C, (p.(Gly60Ala)) identified in the GJA1 gene is classified as Likely pathogenic.

NM_000165.5(GJA1):c.179G>C (p.Gly60Ala)

Gene: GJA1 (gap junction protein alpha 1; plus strand). Cytogenetic location: 6q22.31.
Variant type: single nucleotide variant.
Coding change: c.179G>C on transcript NM_000165.5 (MANE Select); coding-DNA position 179, G replaced by C.
Protein change: p.Gly60Ala; replaces glycine 60 with alanine.
Molecular consequence: missense variant.
Genome position (GRCh38, 1-based): chr6:121,447,026, G>C. VCF-style: chr6-121447026-G-C. GRCh37 (hg19) VCF-style: chr6-121768172-G-C.
Other names: short protein forms G60A.
Identifiers: ClinVar variation 3235928 (VCV003235928.1), dbSNP rs2536821290, ClinGen allele CA365558127.